The following is an entry in ClinVar:

ClinVar aggregate classification (germline): Uncertain significance. Review status: criteria provided, multiple submitters, no conflicts (2 of 4 stars). 2 submissions from 2 submitters: Uncertain significance (2). Last evaluated 2024-01-19.

Conditions:
Evans syndrome, immunodeficiency, and premature immunosenescence associated with tripeptidyl-peptidase II deficiency. Identifiers: MedGen CN231723. Disease mechanism: loss of function.
Inborn genetic diseases. Identifiers: MedGen C0950123, MeSH D030342.

Allele frequency attached by ClinVar (database versions not stated): gnomAD 0.00001; gnomAD exomes 0.00001 and 0.00004; TOPMed 0.00003; ExAC 0.00006.
gnomAD v4.1: 12 of 1,612,780 alleles (0.00074%); highest among the groups gnomAD compares: Admixed American, 0.0083%; no homozygotes.

Submissions (2):

Labcorp Genetics (formerly Invitae), Labcorp
Classification: Uncertain significance for Evans syndrome, immunodeficiency, and premature immunosenescence associated with tripeptidyl-peptidase II deficiency. Last evaluated: 2024-01-19. Review status: criteria provided, single submitter. Criteria: Invitae Variant Classification Sherloc (09022015). Collection method: clinical testing. Allele origin: germline.
Comment: This sequence change replaces proline, which is neutral and non-polar, with leucine, which is neutral and non-polar, at codon 625 of the TPP2 protein (p.Pro625Leu). This variant is present in population databases (rs748520088, gnomAD 0.02%). This variant has not been reported in the literature in individuals affected with TPP2-related conditions. ClinVar contains an entry for this variant (Variation ID: 948938). An algorithm developed to predict the effect of missense changes on protein structure and function (PolyPhen-2) suggests that this variant is likely to be disruptive. In summary, the available evidence is currently insufficient to determine the role of this variant in disease. Therefore, it has been classified as a Variant of Uncertain Significance.

Ambry Genetics
Classification: Uncertain significance for Inborn genetic diseases. Last evaluated: 2022-06-09. Review status: criteria provided, single submitter. Criteria: Ambry Variant Classification Scheme 2023. Collection method: clinical testing. Allele origin: germline.

NM_001330588.2(TPP2):c.1874C>T (p.Pro625Leu)

Gene: TPP2 (tripeptidyl peptidase 2; plus strand). Cytogenetic location: 13q33.1.
Variant type: single nucleotide variant.
Coding change: c.1874C>T on transcript NM_001330588.2 (MANE Select); coding-DNA position 1874, C replaced by T.
Protein change: p.Pro625Leu; replaces proline 625 with leucine.
Molecular consequence: missense variant. On other transcripts: non-coding transcript variant (1).
Genome position (GRCh38, 1-based): chr13:102,638,276, C>T. VCF-style: chr13-102638276-C-T. GRCh37 (hg19) VCF-style: chr13-103290626-C-T.
Other names: c.1874C>T, p.Pro625Leu (NM_001367947.1, NM_003291.4); short protein forms P625L.
Identifiers: ClinVar variation 948938 (VCV000948938.8), dbSNP rs748520088, ClinGen allele CA7037856.
Genomic context (GRCh38, chr13:102,638,276, plus strand): 5'-CACTTACCGATTCTTTTTTCAAGGTATGTGGCTATGATATAGCATCCCCTAACGCAGGTC[C>T]GCTCTTCAGAGTTCCGATCACTGCAGTTATAGCAGCAAAGTAAGTAACAGGTTACTCACA-3'
Protein context (NP_001317517.1, residues 615-635): GYDIASPNAG[Pro625Leu]LFRVPITAVI